The following is an entry in ClinVar:

NM_198721.4(COL25A1):c.1926G>T (p.Gly642=)

Gene: COL25A1 (collagen type XXV alpha 1 chain; minus strand). Cytogenetic location: 4q25.
Variant type: single nucleotide variant.
Coding change: c.1926G>T on transcript NM_198721.4 (MANE Select); coding-DNA position 1926, G replaced by T.
Protein change: p.Gly642=; no amino-acid change (glycine 642 retained).
Molecular consequence: synonymous variant. On other transcripts: non-coding transcript variant (1).
Genome position (GRCh38, 1-based): chr4:108,817,433, C>A on the plus strand (G>T on the coding strand, the complement: COL25A1 is on the minus strand). VCF-style: chr4-108817433-C-A. GRCh37 (hg19) VCF-style: chr4-109738589-C-A.
Identifiers: ClinVar variation 3357817 (VCV003357817.1).

ClinVar aggregate classification (germline): Likely benign (0 of 4 stars; one submission).

Conditions:
COL25A1-related disorder. Also called: COL25A1-related condition.

gnomAD v4.1: 22 of 1,612,930 alleles (0.0014%); highest among the groups gnomAD compares: African/African-American, 0.029%; no homozygotes.

Submission:

PreventionGenetics, part of Exact Sciences
Classification: Likely benign for COL25A1-related condition. Last evaluated: 2019-09-11. Review status: no assertion criteria provided. Collection method: clinical testing. Allele origin: germline.
Comment: This variant is classified as likely benign based on ACMG/AMP sequence variant interpretation guidelines (Richards et al. 2015 PMID: 25741868, with internal and published modifications).